The following is an entry in ClinVar:

ClinVar aggregate classification (germline): Uncertain significance (1 of 4 stars; one submission).

Conditions:
Sulfite oxidase deficiency due to molybdenum cofactor deficiency type C. Also called: Molybdenum cofactor deficiency, complementation group C; Molybdenum cofactor deficiency C. Identifiers: Orphanet 308400, Orphanet 833, MedGen C1854990, MONDO:0014212, OMIM 615501.

Submission:

Labcorp Genetics (formerly Invitae), Labcorp
Classification: Uncertain significance for Sulfite oxidase deficiency due to molybdenum cofactor deficiency type C. Last evaluated: 2022-05-24. Review status: criteria provided, single submitter. Criteria: Invitae Variant Classification Sherloc (09022015). Collection method: clinical testing. Allele origin: germline.
Comment: In summary, the available evidence is currently insufficient to determine the role of this variant in disease. Therefore, it has been classified as a Variant of Uncertain Significance. Algorithms developed to predict the effect of sequence changes on RNA splicing suggest that this variant may create or strengthen a splice site. This variant has not been reported in the literature in individuals affected with GPHN-related conditions. This variant is not present in population databases (gnomAD no frequency). This sequence change falls in intron 7 of the GPHN gene. It does not directly change the encoded amino acid sequence of the GPHN protein.

NM_020806.5(GPHN):c.730-18T>C

Gene: GPHN (gephyrin; plus strand). Cytogenetic location: 14q23.3.
Variant type: single nucleotide variant.
Coding change: c.730-18T>C on transcript NM_020806.5 (MANE Select); 18 bases into the intron before coding-DNA position 730, T replaced by C.
Molecular consequence: intron variant.
Genome position (GRCh38, 1-based): chr14:66,924,176, T>C. VCF-style: chr14-66924176-T-C. GRCh37 (hg19) VCF-style: chr14-67390893-T-C.
Other names: c.768+1238T>C (NM_001377514.1, NM_001377519.1); c.729+1238T>C (NM_001377515.1, NM_001377516.1, NM_001377518.1 and 2 more transcripts).
Identifiers: ClinVar variation 2169349 (VCV002169349.4), dbSNP rs2066358010, ClinGen allele CA2580088564.